The following is an entry in ClinVar:

ClinVar aggregate classification (germline): Uncertain significance (1 of 4 stars; one submission).

Submission:

Labcorp Genetics (formerly Invitae), Labcorp
Classification: Uncertain significance. Last evaluated: 2023-08-19. Review status: criteria provided, single submitter. Criteria: Invitae Variant Classification Sherloc (09022015). Collection method: clinical testing. Allele origin: germline.
Comment: In summary, the available evidence is currently insufficient to determine the role of this variant in disease. Therefore, it has been classified as a Variant of Uncertain Significance. Advanced modeling of protein sequence and biophysical properties (such as structural, functional, and spatial information, amino acid conservation, physicochemical variation, residue mobility, and thermodynamic stability) has been performed at Invitae for this missense variant, however the output from this modeling did not meet the statistical confidence thresholds required to predict the impact of this variant on KMT2A protein function. This variant has not been reported in the literature in individuals affected with KMT2A-related conditions. This variant is not present in population databases (gnomAD no frequency). This sequence change replaces arginine, which is basic and polar, with serine, which is neutral and polar, at codon 527 of the KMT2A protein (p.Arg527Ser).

NM_001197104.2(KMT2A):c.1581A>T (p.Arg527Ser)

Gene: KMT2A (lysine methyltransferase 2A; plus strand). Cytogenetic location: 11q23.3.
Variant type: single nucleotide variant.
Coding change: c.1581A>T on transcript NM_001197104.2 (MANE Select); coding-DNA position 1581, A replaced by T.
Protein change: p.Arg527Ser; replaces arginine 527 with serine.
Molecular consequence: missense variant.
Genome position (GRCh38, 1-based): chr11:118,472,740, A>T. VCF-style: chr11-118472740-A-T. GRCh37 (hg19) VCF-style: chr11-118343455-A-T.
Other names: c.1680A>T, p.Arg560Ser (NM_001412597.1); c.1581A>T, p.Arg527Ser (NM_005933.4); short protein forms R560S, R527S.
Identifiers: ClinVar variation 2754101 (VCV002754101.3), dbSNP rs2496801222, ClinGen allele CA382810417.